The following is an entry in ClinVar:

NM_024652.6(LRRK1):c.567G>C (p.Glu189Asp)

Gene: LRRK1 (leucine rich repeat kinase 1; plus strand). Cytogenetic location: 15q26.3.
Variant type: single nucleotide variant.
Coding change: c.567G>C on transcript NM_024652.6 (MANE Select); coding-DNA position 567, G replaced by C.
Protein change: p.Glu189Asp; replaces glutamic acid 189 with aspartic acid.
Molecular consequence: missense variant.
Genome position (GRCh38, 1-based): chr15:100,988,767, G>C. VCF-style: chr15-100988767-G-C. GRCh37 (hg19) VCF-style: chr15-101528972-G-C.
Other names: short protein forms E189D.
Identifiers: ClinVar variation 1989522 (VCV001989522.1), dbSNP rs930941488, ClinGen allele CA275596390.

ClinVar aggregate classification (germline): Uncertain significance (1 of 4 stars; one submission).

Allele frequency attached by ClinVar (database versions not stated): gnomAD 0.00001; gnomAD exomes 0.00001; TOPMed 0.00001.
gnomAD v4.1: 21 of 1,612,322 alleles (0.0013%); highest among the groups gnomAD compares: Middle Eastern, 0.049%; no homozygotes.

Submission:

Labcorp Genetics (formerly Invitae), Labcorp
Classification: Uncertain significance. Last evaluated: 2022-03-19. Review status: criteria provided, single submitter. Criteria: Invitae Variant Classification Sherloc (09022015). Collection method: clinical testing. Allele origin: germline.
Comment: This sequence change replaces glutamic acid, which is acidic and polar, with aspartic acid, which is acidic and polar, at codon 189 of the LRRK1 protein (p.Glu189Asp). This variant is present in population databases (no rsID available, gnomAD 0.0009%). This variant has not been reported in the literature in individuals affected with LRRK1-related conditions. Algorithms developed to predict the effect of missense changes on protein structure and function (SIFT, PolyPhen-2, Align-GVGD) all suggest that this variant is likely to be tolerated. In summary, the available evidence is currently insufficient to determine the role of this variant in disease. Therefore, it has been classified as a Variant of Uncertain Significance.